The following is an entry in ClinVar:

NM_001008212.2(OPTN):c.1627_1628delinsCT (p.Asp543Leu)

Gene: OPTN (optineurin; plus strand). Cytogenetic location: 10p13.
Variant type: Indel.
Coding change: c.1627_1628delinsCT on transcript NM_001008212.2 (MANE Select); coding-DNA positions 1627 to 1628, GA replaced by CT.
Protein change: p.Asp543Leu; replaces aspartic acid 543 with leucine.
Molecular consequence: missense variant.
Genome position (GRCh38, 1-based): chr10:13,136,759-13,136,760, GA replaced by CT. VCF-style: chr10-13136759-GA-CT. GRCh37 (hg19) VCF-style: chr10-13178759-GA-CT.
Other names: c.1627_1628delinsCT, p.Asp543Leu (NM_001008211.1, NM_001008213.1, NM_021980.4); short protein forms D543L.
Identifiers: ClinVar variation 1434520 (VCV001434520.8), dbSNP rs2131535039, ClinGen allele CA2573144979.

ClinVar aggregate classification (germline): Uncertain significance. Review status: criteria provided, single submitter (1 of 4 stars). 2 submissions from 2 submitters: Uncertain significance (1). 1 of the submissions does not count toward it. Last evaluated 2024-06-25.

Conditions:
OPTN-related disorder. Also called: OPTN-related disorders; OPTN-related condition.
Primary open angle glaucoma (POAG). Also called: OPTN-related open angle glaucoma. Identifiers: MedGen C0339573, MONDO:0100553, OMIM 137760.
Amyotrophic lateral sclerosis type 12 (ALS12). Also called: AMYOTROPHIC LATERAL SCLEROSIS 12 WITH OR WITHOUT FRONTOTEMPORAL DEMENTIA. Identifiers: Orphanet 803, MedGen C3150692, MONDO:0013264, OMIM 613435.
Glaucoma 1, open angle, E. Identifiers: MedGen C1842026, MONDO:0007665.

Submissions (2):

Labcorp Genetics (formerly Invitae), Labcorp
Classification: Uncertain significance for Primary open angle glaucoma; Glaucoma 1, open angle, E; Amyotrophic lateral sclerosis type 12. Last evaluated: 2024-06-25. Review status: criteria provided, single submitter. Criteria: Invitae Variant Classification Sherloc (09022015). Collection method: clinical testing. Allele origin: germline.
Comment: This sequence change replaces aspartic acid, which is acidic and polar, with leucine, which is neutral and non-polar, at codon 543 of the OPTN protein (p.Asp543Leu). This variant is present in population databases (no rsID available, gnomAD 0.0004%). This variant has not been reported in the literature in individuals affected with OPTN-related conditions. ClinVar contains an entry for this variant (Variation ID: 1434520). An algorithm developed to predict the effect of missense changes on protein structure and function (PolyPhen-2) suggests that this variant is likely to be tolerated. In summary, the available evidence is currently insufficient to determine the role of this variant in disease. Therefore, it has been classified as a Variant of Uncertain Significance.

PreventionGenetics, part of Exact Sciences
Classification: Uncertain significance for OPTN-related condition. Last evaluated: 2024-09-27. Review status: no assertion criteria provided. Collection method: clinical testing. Allele origin: germline. Not counted in ClinVar's aggregate classification.
Comment: The OPTN c.1627_1628delinsCT variant is predicted to result in an in-frame deletion and insertion. To our knowledge, this variant has not been reported in the literature or in a large population database, indicating this variant is rare. At this time, the clinical significance of this variant is uncertain due to the absence of conclusive functional and genetic evidence.